The following is an entry in ClinVar:

NM_000179.3(MSH6):c.2222_2252del (p.Asn741fs)

Gene: MSH6 (mutS homolog 6; plus strand). Cytogenetic location: 2p16.3.
Variant type: Deletion.
Coding change: c.2222_2252del on transcript NM_000179.3 (MANE Select); coding-DNA positions 2222 to 2252, 31 bases deleted.
Protein change: p.Asn741fs; shifts the reading frame from asparagine 741.
Molecular consequence: frameshift variant.
Genome position (GRCh38, 1-based): chr2:47,800,205-47,800,235, 31 bases deleted; deleting any 31 consecutive bases within chr2:47,800,203-47,800,235 gives the same sequence; the c. name uses the placement nearest the transcript's 3' end. GRCh37 (hg19): chr2:48,027,344-48,027,374.
Other names: c.1832_1862del, p.Asn611fs (NM_001281492.2); c.1316_1346del, p.Asn439fs (NM_001281493.2, NM_001281494.2); c.2318_2348del31, p.Asn773Metfs (NM_001406795.1, NM_001406802.1); c.2222_2252del31, p.Asn741Metfs (NM_001406796.1, NM_001406798.1, NM_001406800.1 and 3 more transcripts); c.1925_1955del31, p.Asn642Metfs (NM_001406797.1, NM_001406801.1, NM_001406805.1 and 10 more transcripts); c.1697_1727del31, p.Asn566Metfs (NM_001406799.1, NM_001406806.1, NM_001406807.1); c.2144_2174del31, p.Asn715Metfs (NM_001406804.1); c.1316_1346del31, p.Asn439Metfs (NM_001406811.1, NM_001406812.1, NM_001406814.1 and 4 more transcripts); and 2 more; short protein forms N439fs, N611fs, N741fs.
Identifiers: ClinVar variation 1787946 (VCV001787946.2), dbSNP rs2530658449, ClinGen allele CA2580067796.
Genomic context (GRCh38, chr2:47,800,202, plus strand): 5'-CAAGATCTGGTGCTATCTTCACCAAAGCCTATCAACGAATGGTGCTAGATGCAGTGACAT[TAAACAACTTGGAGATTTTTCTGAATGGAACA>T]AATGGTTCTACTGAAGGAACCCTACTAGAGAGGGTTGATACTTGCCATACTCCTTTTGGT-3'

ClinVar aggregate classification (germline): Pathogenic (1 of 4 stars; one submission).

Conditions:
Hereditary cancer-predisposing syndrome. Also called: Neoplastic Syndromes, Hereditary; Tumor predisposition; Hereditary Cancer Syndrome; Hereditary neoplastic syndrome. Identifiers: Orphanet 140162, MedGen C0027672, MeSH D009386, MONDO:0015356.

Submission:

Ambry Genetics
Classification: Pathogenic for Hereditary cancer-predisposing syndrome. Last evaluated: 2022-08-02. Review status: criteria provided, single submitter. Criteria: Ambry Variant Classification Scheme 2023. Collection method: clinical testing. Allele origin: germline.
Comment: The c.2222_2252del31 pathogenic mutation, located in coding exon 4 of the MSH6 gene, results from a deletion of 31 nucleotides at nucleotide positions 2222 to 2252, causing a translational frameshift with a predicted alternate stop codon (p.N741Mfs*9). This alteration is expected to result in loss of function by premature protein truncation or nonsense-mediated mRNA decay. As such, this alteration is interpreted as a disease-causing mutation.